The following is an entry in ClinVar:

ClinVar aggregate classification (germline): Benign (1 of 4 stars; one submission).

Submission:

CeGaT Center for Human Genetics Tuebingen
Classification: Benign. Last evaluated: 2025-10-01. Review status: criteria provided, single submitter. Criteria: CeGaT Center For Human Genetics Tuebingen Variant Classification Criteria Version 2. Collection method: clinical testing. Allele origin: germline. Affected: yes. Observed: 4 variant alleles.
Comment: BEAN1: BS1, BS2

NM_001197224.4(BEAN1):c.152-2535A>C

Gene: BEAN1 (brain expressed associated with NEDD4 1; plus strand). Cytogenetic location: 16q21.
Variant type: single nucleotide variant.
Coding change: c.152-2535A>C on transcript NM_001197224.4; 2535 bases into the intron before coding-DNA position 152, A replaced by C.
Molecular consequence: intron variant.
Genome position (GRCh38, 1-based): chr16:66,490,427, A>C. VCF-style: chr16-66490427-A-C. GRCh37 (hg19) VCF-style: chr16-66524330-A-C.
Identifiers: ClinVar variation 3771999 (VCV003771999.13).